The following is an entry in ClinVar:

ClinVar aggregate classification (germline): Likely pathogenic (1 of 4 stars; one submission).

Conditions:
Telangiectasia, hereditary hemorrhagic, type 1 (HHT1). Also called: Osler Weber Rendu syndrome type 1; ENG-Related Hereditary Hemorrhagic Telangiectasia. Identifiers: Orphanet 774, MedGen C4551861, MONDO:0008535, OMIM 187300. Disease mechanism: loss of function.

Submission:

Labcorp Genetics (formerly Invitae), Labcorp
Classification: Likely pathogenic for Hereditary hemorrhagic telangiectasia. Last evaluated: 2017-06-15. Review status: criteria provided, single submitter. Criteria: Invitae Variant Classification Sherloc (09022015). Collection method: clinical testing. Allele origin: germline.
Comment: This variant is a gross duplication of the genomic region encompassing exons 3-8 of the ENG gene. While the exact position of the duplicated exons cannot be determined from this data, the duplicated copy of this region is likely in tandem and in-frame, therefore preserving the integrity of the reading frame. This variant is not present in population databases (ExAC no frequency). This variant has been reported in an individual affected with hereditary hemorrhagic telangiectasia (PMID: 10702408). Additional in-frame duplications affecting exon 3, exons 4-8, and exons 5-7 have also been reported in individuals affected with hereditary hemorrhagic telangiectasia (PMID: 21158752,Â¬â€ 16705692,Â¬â€ 23722869). In summary, the currently available evidence indicates that the variant is pathogenic, but additional data are needed to prove that conclusively. Therefore, this variant has been classified as Likely Pathogenic.

NC_000009.11:g.(?_130586563)_(130592126_?)dup

Gene: ENG (endoglin; minus strand). Cytogenetic location: 9q34.11.
Variant type: Duplication.
Identifiers: ClinVar variation 458320 (VCV000458320.1).